The following is an entry in ClinVar:

ClinVar aggregate classification (germline): Likely benign (1 of 4 stars; one submission).

Allele frequency attached by ClinVar (database versions not stated): 1000 Genomes Project 0.00160; 1000 Genomes Project 30x 0.00187; gnomAD 0.00310; ExAC 0.00319; ESP Exome Variant Server 0.00369; gnomAD exomes 0.00510.
gnomAD v4.1: 7,855 of 1,613,210 alleles (0.49%); highest among the groups gnomAD compares: Non-Finnish European, 0.6%; 22 homozygotes.

Submission:

CeGaT Center for Human Genetics Tuebingen
Classification: Likely benign. Last evaluated: 2023-03-01. Review status: criteria provided, single submitter. Criteria: CeGaT Center For Human Genetics Tuebingen Variant Classification Criteria Version 2. Collection method: clinical testing. Allele origin: germline. Affected: yes. Observed: 1 variant allele.
Comment: ZNF441: BP4, BP7

NM_152355.3(ZNF441):c.1536T>C (p.Phe512=)

Genes: ZNF441 (zinc finger protein 441; plus strand), LOC129391062 (MPRA-validated peak3359 silencer; plus strand). Cytogenetic location: 19p13.2.
Variant type: single nucleotide variant.
Coding change: c.1536T>C on transcript NM_152355.3 (MANE Select); coding-DNA position 1536, T replaced by C.
Protein change: p.Phe512=; no amino-acid change (phenylalanine 512 retained).
Molecular consequence: synonymous variant.
Genome position (GRCh38, 1-based): chr19:11,781,360, T>C. VCF-style: chr19-11781360-T-C. GRCh37 (hg19) VCF-style: chr19-11892175-T-C.
Identifiers: ClinVar variation 2649336 (VCV002649336.24), dbSNP rs140651700, ClinGen allele CA9216563.
Genomic context (GRCh38, chr19:11,781,360, plus strand): 5'-ACACATGATAATGCACACTGGAGATGGACCTCATAAATGTAAGATATGTGGGAAAAGCTT[T>C]GATTCTCCCAGTTCATTTCGAAGACATGAAAGAATTCACACTGGGGAGAGACCCTATAAG-3'
Protein context (NP_689568.2, residues 502-522): PHKCKICGKS[Phe512=]DSPSSFRRHE